The following is an entry in ClinVar:

NM_004947.5(DOCK3):c.3974A>T (p.Tyr1325Phe)

Gene: DOCK3 (dedicator of cytokinesis 3; plus strand). Cytogenetic location: 3p21.2.
Variant type: single nucleotide variant.
Coding change: c.3974A>T on transcript NM_004947.5 (MANE Select); coding-DNA position 3974, A replaced by T.
Protein change: p.Tyr1325Phe; replaces tyrosine 1325 with phenylalanine.
Molecular consequence: missense variant.
Genome position (GRCh38, 1-based): chr3:51,348,910, A>T. VCF-style: chr3-51348910-A-T. GRCh37 (hg19) VCF-style: chr3-51386341-A-T.
Other names: short protein forms Y1325F.
Identifiers: ClinVar variation 4759452 (VCV004759452.1).

ClinVar aggregate classification (germline): Uncertain significance (1 of 4 stars; one submission).

Conditions:
Neurodevelopmental disorder with impaired intellectual development, hypotonia, and ataxia. Identifiers: MedGen C4749014, MONDO:0032661, OMIM 618292.

Submission:

Illumina Laboratory Services, Illumina
Classification: Uncertain significance for Neurodevelopmental disorder with impaired intellectual development, hypotonia, and ataxia. Last evaluated: 2023-10-23. Review status: criteria provided, single submitter. Criteria: ISL SNV Classification Criteria 03 February 2026. Collection method: clinical testing. Allele origin: unknown.
Comment: The DOCK3 c.3974A>T p.(Tyr1325Phe) missense variant has not, to our knowledge, been reported in the peer-reviewed literature. This variant is not observed in version 2.1.1 or version 3.1.2 of the Genome Aggregation Database. The p.(Tyr1325Phe) variant is in lobe A of the DOCK-homology region 2 (DHR-2), which stabilizes the DHR-2 domain (PMID: 19344873). Based on the available evidence, the c.3974A>T p.(Tyr1325Phe) variant is classified as a variant of uncertain significance for neurodevelopmental disorder with impaired intellectual development, hypotonia, and ataxia.

Literature cited by the submitters: PubMed 19344873.